The following is an entry in ClinVar:

ClinVar aggregate classification (germline): Uncertain significance (1 of 4 stars; one submission).

Conditions:
Progressive muscular dystrophy. Identifiers: Orphanet 206644, MedGen C4551827, MONDO:0016106.

Submission:

Myriad Genetics, Inc.
Classification: Uncertain significance for Progressive muscular dystrophy. Last evaluated: 2025-07-22. Review status: criteria provided, single submitter. Criteria: Myriad Autosomal Dominant, Autosomal Recessive and X-Linked Classification Criteria (2023). Collection method: clinical testing. Allele origin: unknown.
Comment: NM_004006.2(DMD):c.2577_2582del6(P860_S861del) is an in-frame deletion classified as a variant of uncertain significance in the context of dystrophinopathy (including Duchenne/Becker muscular dystrophy). P860_S861del has not been observed in cases with relevant disease. Relevant functional assessments of this variant are not available in the literature. P860_S861del has not been observed in referenced population frequency databases. In summary, there is insufficient evidence to classify NM_004006.2(DMD):c.2577_2582del6(P860_S861del) as pathogenic or benign. Please note: this variant was assessed in the context of healthy population screening.

NM_004006.3(DMD):c.2577_2582del (p.Pro860_Ser861del)

Gene: DMD (dystrophin; minus strand). Cytogenetic location: Xp21.1.
Variant type: Deletion.
Coding change: c.2577_2582del on transcript NM_004006.3 (MANE Select); coding-DNA positions 2577 to 2582, 6 bases deleted (CCCATC; older notation c.2577_2582delCCCATC).
Protein change: p.Pro860_Ser861del.
Molecular consequence: inframe deletion.
Genome position (GRCh38, 1-based): chrX:32,491,317-32,491,322, GATGGG deleted on the plus strand (CCCATC on the coding strand, the reverse complement: DMD is on the minus strand); deleting any 6 consecutive bases within chrX:32,491,317-32,491,323 gives the same sequence; the c. name uses the placement nearest the transcript's 3' end. VCF-style (leftmost placement, unchanged base first): chrX-32491316-TGATGGG-T. GRCh37 (hg19) VCF-style: chrX-32509433-TGATGGG-T.
Other names: c.2553_2558del, p.Pro852_Ser853del (NM_000109.4); c.2565_2570del, p.Pro856_Ser857del (NM_004009.3); c.2208_2213del, p.Pro737_Ser738del (NM_004010.3).
Identifiers: ClinVar variation 5004077 (VCV005004077.1).